The following is an entry in ClinVar:

ClinVar aggregate classification (germline): Uncertain significance (1 of 4 stars; one submission).

Conditions:
Primary immunodeficiency with post-measles-mumps-rubella vaccine viral infection. Also called: Immunodeficiency 44. Identifiers: Orphanet 431166, MedGen C4225260, MONDO:0014715, OMIM 616636.

Allele frequency attached by ClinVar (database versions not stated): ExAC 0.00001; gnomAD 0.00001; gnomAD exomes 0.00001; TOPMed 0.00002.
gnomAD v4.1: 19 of 1,607,064 alleles (0.0012%); highest among the groups gnomAD compares: Non-Finnish European, 0.0016%; no homozygotes.

Submission:

Labcorp Genetics (formerly Invitae), Labcorp
Classification: Uncertain significance for Primary immunodeficiency with post-measles-mumps-rubella vaccine viral infection. Last evaluated: 2023-10-23. Review status: criteria provided, single submitter. Criteria: Invitae Variant Classification Sherloc (09022015). Collection method: clinical testing. Allele origin: germline.
Comment: This sequence change replaces glycine, which is neutral and non-polar, with arginine, which is basic and polar, at codon 726 of the STAT2 protein (p.Gly726Arg). This variant is present in population databases (rs146618392, gnomAD 0.001%). This variant has not been reported in the literature in individuals affected with STAT2-related conditions. Advanced modeling of protein sequence and biophysical properties (such as structural, functional, and spatial information, amino acid conservation, physicochemical variation, residue mobility, and thermodynamic stability) performed at Invitae indicates that this missense variant is not expected to disrupt STAT2 protein function with a negative predictive value of 95%. In summary, the available evidence is currently insufficient to determine the role of this variant in disease. Therefore, it has been classified as a Variant of Uncertain Significance.

NM_005419.4(STAT2):c.2176G>A (p.Gly726Arg)

Gene: STAT2 (signal transducer and activator of transcription 2; minus strand). Cytogenetic location: 12q13.3.
Variant type: single nucleotide variant.
Coding change: c.2176G>A on transcript NM_005419.4 (MANE Select); coding-DNA position 2176, G replaced by A.
Protein change: p.Gly726Arg; replaces glycine 726 with arginine.
Molecular consequence: missense variant.
Genome position (GRCh38, 1-based): chr12:56,344,062, C>T on the plus strand (G>A on the coding strand, the complement: STAT2 is on the minus strand). VCF-style: chr12-56344062-C-T. GRCh37 (hg19) VCF-style: chr12-56737846-C-T.
Other names: c.2143G>A, p.Gly715Arg (NM_001385110.1); c.2077G>A, p.Gly693Arg (NM_001385111.1); c.2176G>A, p.Gly726Arg (NM_001385113.1); c.2155G>A, p.Gly719Arg (NM_001385114.1); c.2134G>A, p.Gly712Arg (NM_001385115.1); c.2164G>A, p.Gly722Arg (NM_198332.2); short protein forms G693R, G715R, G719R, G722R, G712R, G726R.
Identifiers: ClinVar variation 2738421 (VCV002738421.3), dbSNP rs146618392, ClinGen allele CA6630294.